The following is an entry in ClinVar:

NM_012398.3(PIP5K1C):c.103C>T (p.Gln35Ter)

Gene: PIP5K1C (phosphatidylinositol-4-phosphate 5-kinase type 1 gamma; minus strand). Cytogenetic location: 19p13.3.
Variant type: single nucleotide variant.
Coding change: c.103C>T on transcript NM_012398.3 (MANE Select); coding-DNA position 103, C replaced by T.
Protein change: p.Gln35Ter; replaces glutamine 35 with a stop codon.
Molecular consequence: nonsense.
Genome position (GRCh38, 1-based): chr19:3,667,345, G>A on the plus strand (C>T on the coding strand, the complement: PIP5K1C is on the minus strand). VCF-style: chr19-3667345-G-A. GRCh37 (hg19) VCF-style: chr19-3667343-G-A.
Other names: c.103C>T, p.Gln35Ter (NM_001195733.2, NM_001300849.2); short protein forms Q35*.
Identifiers: ClinVar variation 3772017 (VCV003772017.13).

ClinVar aggregate classification (germline): Uncertain significance (1 of 4 stars; one submission).

Submission:

CeGaT Center for Human Genetics Tuebingen
Classification: Uncertain significance. Last evaluated: 2024-12-01. Review status: criteria provided, single submitter. Criteria: CeGaT Center For Human Genetics Tuebingen Variant Classification Criteria Version 2. Collection method: clinical testing. Allele origin: germline. Affected: yes. Observed: 1 variant allele.
Comment: PIP5K1C: PM2